The following is an entry in ClinVar:

NM_170606.3(KMT2C):c.11701C>A (p.Pro3901Thr)

Gene: KMT2C (lysine methyltransferase 2C; minus strand). Cytogenetic location: 7q36.1.
Variant type: single nucleotide variant.
Coding change: c.11701C>A on transcript NM_170606.3 (MANE Select); coding-DNA position 11701, C replaced by A.
Protein change: p.Pro3901Thr; replaces proline 3901 with threonine.
Molecular consequence: missense variant.
Genome position (GRCh38, 1-based): chr7:152,156,316, G>T on the plus strand (C>A on the coding strand, the complement: KMT2C is on the minus strand). VCF-style: chr7-152156316-G-T. GRCh37 (hg19) VCF-style: chr7-151853401-G-T.
Other names: short protein forms P3901T.
Identifiers: ClinVar variation 1708848 (VCV001708848.2), dbSNP rs1004780863, ClinGen allele CA169224679.

ClinVar aggregate classification (germline): Uncertain significance (1 of 4 stars; one submission).

Submission:

GeneDx
Classification: Uncertain significance. Last evaluated: 2022-04-07. Review status: criteria provided, single submitter. Criteria: GeneDx Variant Classification Process June 2021. Collection method: clinical testing. Allele origin: germline. Affected: yes.
Comment: Not observed at significant frequency in large population cohorts (gnomAD); In silico analysis supports that this missense variant has a deleterious effect on protein structure/function; Has not been previously published as pathogenic or benign to our knowledge